The following is an entry in ClinVar:

ClinVar aggregate classification (germline): Uncertain significance (1 of 4 stars; one submission).

Conditions:
Holoprosencephaly 13, X-linked. Identifiers: MedGen C5393308, MONDO:0026763, OMIM 301043.

Submission:

Neuberg Centre For Genomic Medicine, NCGM
Classification: Uncertain significance for Holoprosencephaly 13, X-linked. Review status: criteria provided, single submitter. Criteria: ACMG Guidelines, 2015. Collection method: clinical testing. Allele origin: germline. Inheritance: X-linked recessive inheritance. Affected: yes.
Comment: The missense c.363T>A p.Phe121Leu variant in STAG2 gene has not been reported previously as a pathogenic variant nor as a benign variant, to our knowledge. The p.Phe121Leu variant is novel not in any individuals in gnomAD Exomes and 1000 Genomes. This variant has not been reported to the ClinVar database. The amino acid change p.Phe121Leu in STAG2 is predicted as conserved by GERP++ and PhyloP across 100 vertebrates. The amino acid Phe at position 121 is changed to a Leu changing protein sequence and it might alter its composition and physico-chemical properties. For these reasons, this variant has been classified as Variant of Uncertain Significance VUS.

NM_001042750.2(STAG2):c.363T>A (p.Phe121Leu)

Gene: STAG2 (STAG2 cohesin complex component; plus strand). Cytogenetic location: Xq25.
Variant type: single nucleotide variant.
Coding change: c.363T>A on transcript NM_001042750.2 (MANE Select); coding-DNA position 363, T replaced by A.
Protein change: p.Phe121Leu; replaces phenylalanine 121 with leucine.
Molecular consequence: missense variant.
Genome position (GRCh38, 1-based): chrX:124,037,601, T>A. VCF-style: chrX-124037601-T-A. GRCh37 (hg19) VCF-style: chrX-123171451-T-A.
Other names: c.363T>A, p.Phe121Leu (NM_001042749.2, NM_001042751.2, NM_001282418.2 and 13 more transcripts); short protein forms F121L.
Identifiers: ClinVar variation 3236420 (VCV003236420.2), dbSNP rs2520919196, ClinGen allele CA414273498.
Genomic context (GRCh38, chrX:124,037,601, plus strand): 5'-TTGGATAGAATCATACAAGCATGACCGAGATATAGCACTTCTTGACCTTATCAACTTTTT[T>A]ATTCAGTGTTCAGGCTGTAAAGGTAAGATATATTTATTTTGAAATCAGCAGCTCTCAAAT-3'
Protein context (NP_001036215.1, residues 111-131): DIALLDLINF[Phe121Leu]IQCSGCKGVV